The following is an entry in ClinVar:

ClinVar aggregate classification (germline): Uncertain significance (1 of 4 stars; one submission).

Conditions:
Autosomal dominant nonsyndromic hearing loss 56. Also called: Deafness, autosomal dominant 56. Identifiers: Orphanet 90635, MedGen C3810170, MONDO:0014283, OMIM 615629.

Submission:

Juno Genomics, Hangzhou Juno Genomics, Inc
Classification: Uncertain significance for Autosomal dominant nonsyndromic hearing loss 56. Review status: criteria provided, single submitter. Criteria: ACMG Guidelines, 2015. Collection method: clinical testing. Allele origin: germline.
Comment: Absent from controls (or at extremely low frequency if recessive) in Genome Aggregation Database.

NM_002160.4(TNC):c.320C>A (p.Pro107His)

Gene: TNC (tenascin C; minus strand). Cytogenetic location: 9q33.1.
Variant type: single nucleotide variant.
Coding change: c.320C>A on transcript NM_002160.4 (MANE Select); coding-DNA position 320, C replaced by A.
Protein change: p.Pro107His; replaces proline 107 with histidine.
Molecular consequence: missense variant.
Genome position (GRCh38, 1-based): chr9:115,090,699, G>T on the plus strand (C>A on the coding strand, the complement: TNC is on the minus strand). VCF-style: chr9-115090699-G-T. GRCh37 (hg19) VCF-style: chr9-117852978-G-T.
Other names: c.320C>A, p.Pro107His (NM_001410991.1, NM_001439065.1, NM_001439066.1 and 35 more transcripts); short protein forms P107H.
Identifiers: ClinVar variation 5007379 (VCV005007379.2).